The following is an entry in ClinVar:

NM_020919.4(ALS2):c.4214G>A (p.Arg1405His)

Gene: ALS2 (alsin Rho guanine nucleotide exchange factor ALS2; minus strand). Cytogenetic location: 2q33.1.
Variant type: single nucleotide variant.
Coding change: c.4214G>A on transcript NM_020919.4 (MANE Select); coding-DNA position 4214, G replaced by A.
Protein change: p.Arg1405His; replaces arginine 1405 with histidine.
Molecular consequence: missense variant.
Genome position (GRCh38, 1-based): chr2:201,709,947, C>T on the plus strand (G>A on the coding strand, the complement: ALS2 is on the minus strand). VCF-style: chr2-201709947-C-T. GRCh37 (hg19) VCF-style: chr2-202574670-C-T.
Other names: short protein forms R1405H.
Identifiers: ClinVar variation 1400684 (VCV001400684.5), dbSNP rs768669586, ClinGen allele CA2057635.
Genomic context (GRCh38, chr2:201,709,947, plus strand): 5'-AGCTGGAAAATTCGCTTAAGATAGGACTTAATCTCCTTTACAGCCTCCTGCAATAACCTG[C>T]GGTTGGCTCCTACGCCCACGTATGTCATTCTATACACTGCAACCAGTGTCTCCACAAGCC-3'
Protein context (NP_065970.2, residues 1395-1415): RMTYVGVGAN[Arg1405His]RLLQEAVKEI

ClinVar aggregate classification (germline): Uncertain significance (1 of 4 stars; one submission).

Conditions:
Infantile-onset ascending hereditary spastic paralysis (IAHSP). Also called: Infantile-Onset Ascending Hereditary Spastic Paralysis (IAHSP); Autosomal Recessive Juvenile Amyotrophic Lateral Sclerosis. Identifiers: Orphanet 293168, MedGen C2931441, MONDO:0011797, OMIM 607225. Disease mechanism: loss of function.

Allele frequency attached by ClinVar (database versions not stated): ExAC 0.00001; gnomAD 0.00001; gnomAD exomes 0.00001 and 0.00002; TOPMed 0.00002.
gnomAD v4.1: 13 of 1,614,016 alleles (0.00081%); highest among the groups gnomAD compares: Middle Eastern, 0.016%; no homozygotes.

Submission:

Labcorp Genetics (formerly Invitae), Labcorp
Classification: Uncertain significance for Infantile-onset ascending hereditary spastic paralysis. Last evaluated: 2024-10-15. Review status: criteria provided, single submitter. Criteria: Invitae Variant Classification Sherloc (09022015). Collection method: clinical testing. Allele origin: germline.
Comment: This sequence change replaces arginine, which is basic and polar, with histidine, which is basic and polar, at codon 1405 of the ALS2 protein (p.Arg1405His). This variant is present in population databases (rs768669586, gnomAD 0.01%). This variant has not been reported in the literature in individuals affected with ALS2-related conditions. ClinVar contains an entry for this variant (Variation ID: 1400684). Invitae Evidence Modeling of protein sequence and biophysical properties (such as structural, functional, and spatial information, amino acid conservation, physicochemical variation, residue mobility, and thermodynamic stability) indicates that this missense variant is not expected to disrupt ALS2 protein function with a negative predictive value of 80%. In summary, the available evidence is currently insufficient to determine the role of this variant in disease. Therefore, it has been classified as a Variant of Uncertain Significance.